The following is an entry in ClinVar:

NM_144670.6(A2ML1):c.911T>C (p.Ile304Thr)

Gene: A2ML1 (alpha-2-macroglobulin like 1; plus strand). Cytogenetic location: 12p13.31.
Variant type: single nucleotide variant.
Coding change: c.911T>C on transcript NM_144670.6 (MANE Select); coding-DNA position 911, T replaced by C.
Protein change: p.Ile304Thr; replaces isoleucine 304 with threonine.
Molecular consequence: missense variant.
Genome position (GRCh38, 1-based): chr12:8,838,391, T>C. VCF-style: chr12-8838391-T-C. GRCh37 (hg19) VCF-style: chr12-8990987-T-C.
Other names: short protein forms I304T.
Identifiers: ClinVar variation 658380 (VCV000658380.14), dbSNP rs184575465, ClinGen allele CA6435474.
Genomic context (GRCh38, chr12:8,838,391, plus strand): 5'-ACTAGACTGACAAAACAGGATGTTTCTCAGCACCTGTGGACATGGCCACCTTTGACCTCA[T>C]TGGATATGCGTACAGCCATCAAATCAATATTGTGGCTACTGTTGTGGAGGAAGGGACAGG-3'
Protein context (NP_653271.3, residues 294-314): APVDMATFDL[Ile304Thr]GYAYSHQINI

ClinVar aggregate classification (germline): Conflicting classifications of pathogenicity. Review status: criteria provided, conflicting classifications (1 of 4 stars). 4 submissions from 4 submitters: Uncertain significance (2); Likely benign (2). Last evaluated 2026-01-19.

Conditions:
A2ML1-related disorder. Also called: A2ML1-related condition.

Allele frequency attached by ClinVar (database versions not stated): gnomAD exomes 0.00004; ExAC 0.00007; ESP Exome Variant Server 0.00016; gnomAD 0.00042; TOPMed 0.00098; 1000 Genomes Project 0.00140; 1000 Genomes Project 30x 0.00141.
gnomAD v4.1: 110 of 1,613,884 alleles (0.0068%); highest among the groups gnomAD compares: Admixed American, 0.14%; no homozygotes.

Submissions (4):

Labcorp Genetics (formerly Invitae), Labcorp
Classification: Uncertain significance. Last evaluated: 2026-01-19. Review status: criteria provided, single submitter. Criteria: Invitae Variant Classification Sherloc (09022015). Collection method: clinical testing. Allele origin: germline.
Comment: This sequence change replaces isoleucine, which is neutral and non-polar, with threonine, which is neutral and polar, at codon 304 of the A2ML1 protein (p.Ile304Thr). This variant is present in population databases (rs184575465, gnomAD 0.03%). This variant has not been reported in the literature in individuals affected with A2ML1-related conditions. ClinVar contains an entry for this variant (Variation ID: 658380). An algorithm developed to predict the effect of missense changes on protein structure and function outputs the following: PolyPhen-2: "Benign". The threonine amino acid residue is found in multiple mammalian species, which suggests that this missense change does not adversely affect protein function. In summary, the available evidence is currently insufficient to determine the role of this variant in disease. Therefore, it has been classified as a Variant of Uncertain Significance.

PreventionGenetics, part of Exact Sciences
Classification: Uncertain significance for A2ML1-related condition. Last evaluated: 2025-10-06. Review status: criteria provided, single submitter. Criteria: ACMG Guidelines, 2015. Collection method: clinical testing. Allele origin: germline.
Comment: The A2ML1 c.911T>C variant is predicted to result in the amino acid substitution p.Ile304Thr. To our knowledge, this variant has not been reported in the literature. This variant is reported in 0.034% of alleles in individuals of Latino descent in gnomAD. Although we suspect that this variant may be benign, at this time, the clinical significance of this variant is uncertain due to the absence of conclusive functional and genetic evidence.

Ambry Genetics
Classification: Likely benign. Last evaluated: 2025-08-02. Review status: criteria provided, single submitter. Criteria: Ambry Variant Classification Scheme 2023. Collection method: clinical testing. Allele origin: germline.

Women's Health and Genetics/Laboratory Corporation of America, LabCorp
Classification: Likely benign. Last evaluated: 2019-12-16. Review status: criteria provided, single submitter. Criteria: LabCorp Variant Classification Summary - May 2015. Collection method: clinical testing. Allele origin: germline.
Comment: Variant summary: A2ML1 c.911T>C (p.Ile304Thr) results in a non-conservative amino acid change in the encoded protein sequence. Four of five in-silico tools predict a benign effect of the variant on protein function. The variant allele was found at a frequency of 4.6e-05 in 280838 control chromosomes, predominantly at a frequency of 0.00034 within the Latino subpopulation in the gnomAD database. The observed variant frequency within Latino control individuals in the gnomAD database is approximately 85 fold of the estimated maximal expected allele frequency for a pathogenic variant in A2ML1 causing Noonan Syndrome phenotype (4e-06), strongly suggesting that the variant is a benign polymorphism found primarily in populations of Latino origin. To our knowledge, no occurrence of c.911T>C in individuals affected with Noonan Syndrome and no experimental evidence demonstrating its impact on protein function have been reported. One ClinVar submitter (evaluation after 2014) cites the variant as uncertain significance. Based on the evidence outlined above, the variant was classified as likely benign.